The following is an entry in ClinVar:

NM_000264.5(PTCH1):c.3025T>C (p.Tyr1009His)

Gene: PTCH1 (patched 1; minus strand). Cytogenetic location: 9q22.32.
Variant type: single nucleotide variant.
Coding change: c.3025T>C on transcript NM_000264.5 (MANE Select); coding-DNA position 3025, T replaced by C.
Protein change: p.Tyr1009His; replaces tyrosine 1009 with histidine.
Molecular consequence: missense variant. On other transcripts: non-coding transcript variant (1).
Genome position (GRCh38, 1-based): chr9:95,458,156, A>G on the plus strand (T>C on the coding strand, the complement: PTCH1 is on the minus strand). VCF-style: chr9-95458156-A-G. GRCh37 (hg19) VCF-style: chr9-98220438-A-G.
Other names: c.2827T>C, p.Tyr943His (NM_001083602.3); c.3022T>C, p.Tyr1008His (NM_001083603.3); c.2572T>C, p.Tyr858His (NM_001083604.3, NM_001083605.3, NM_001083606.3 and 1 more transcripts); c.2869T>C, p.Tyr957His (NM_001354918.2); short protein forms Y858H, Y957H, Y1008H, Y1009H, Y943H.
Identifiers: ClinVar variation 3939960 (VCV003939960.1).

ClinVar aggregate classification (germline): Uncertain significance (1 of 4 stars; one submission).

Conditions:
Hereditary cancer-predisposing syndrome. Also called: Tumor predisposition; Hereditary neoplastic syndrome; Hereditary Cancer Syndrome; Neoplastic Syndromes, Hereditary. Identifiers: Orphanet 140162, MedGen C0027672, MeSH D009386, MONDO:0015356.

Submission:

Ambry Genetics
Classification: Uncertain significance for Hereditary cancer-predisposing syndrome. Last evaluated: 2025-05-02. Review status: criteria provided, single submitter. Criteria: Ambry Variant Classification Scheme 2023. Collection method: clinical testing. Allele origin: germline.
Comment: The p.Y1009H variant (also known as c.3025T>C), located in coding exon 18 of the PTCH1 gene, results from a T to C substitution at nucleotide position 3025. The tyrosine at codon 1009 is replaced by histidine, an amino acid with similar properties. This amino acid position is conserved. In addition, this alteration is predicted to be deleterious by in silico analysis. Based on the available evidence, the clinical significance of this variant remains unclear.